The following is an entry in ClinVar:

ClinVar aggregate classification (germline): Uncertain significance (1 of 4 stars; one submission).

gnomAD v4.1: 5 of 1,575,030 alleles (0.00032%); highest among the groups gnomAD compares: East Asian, 0.0091%; no homozygotes.

Submission:

Labcorp Genetics (formerly Invitae), Labcorp
Classification: Uncertain significance. Last evaluated: 2022-02-22. Review status: criteria provided, single submitter. Criteria: Invitae Variant Classification Sherloc (09022015). Collection method: clinical testing. Allele origin: germline.
Comment: In summary, the available evidence is currently insufficient to determine the role of this variant in disease. Therefore, it has been classified as a Variant of Uncertain Significance. Algorithms developed to predict the effect of missense changes on protein structure and function output the following: SIFT: "Tolerated"; PolyPhen-2: "Benign"; Align-GVGD: "Class C0". The valine amino acid residue is found in multiple mammalian species, which suggests that this missense change does not adversely affect protein function. This variant has not been reported in the literature in individuals affected with PEX11B-related conditions. This variant is not present in population databases (gnomAD no frequency). This sequence change replaces glycine, which is neutral and non-polar, with valine, which is neutral and non-polar, at codon 172 of the PEX11B protein (p.Gly172Val).

NM_003846.3(PEX11B):c.515G>T (p.Gly172Val)

Gene: PEX11B (peroxisomal biogenesis factor 11 beta; minus strand). Cytogenetic location: 1q21.1.
Variant type: single nucleotide variant.
Coding change: c.515G>T on transcript NM_003846.3 (MANE Select); coding-DNA position 515, G replaced by T.
Protein change: p.Gly172Val; replaces glycine 172 with valine.
Molecular consequence: missense variant. On other transcripts: non-coding transcript variant (3).
Genome position (GRCh38, 1-based): chr1:145,912,426, C>A on the plus strand (G>T on the coding strand, the complement: PEX11B is on the minus strand). VCF-style: chr1-145912426-C-A. GRCh37 (hg19) VCF-style: chr1-145522654-G-T.
Other names: c.473G>T, p.Gly158Val (NM_001184795.1); short protein forms G158V, G172V.
Identifiers: ClinVar variation 2413786 (VCV002413786.6), dbSNP rs1657848961, ClinGen allele CA342121202.